The following is an entry in ClinVar:

NM_033402.5(LRRCC1):c.574C>T (p.Pro192Ser)

Gene: LRRCC1 (leucine rich repeat and coiled-coil centrosomal protein 1; plus strand). Cytogenetic location: 8q21.2.
Variant type: single nucleotide variant.
Coding change: c.574C>T on transcript NM_033402.5 (MANE Select); coding-DNA position 574, C replaced by T.
Protein change: p.Pro192Ser; replaces proline 192 with serine.
Molecular consequence: missense variant. On other transcripts: intron variant (2).
Genome position (GRCh38, 1-based): chr8:85,115,129, C>T. VCF-style: chr8-85115129-C-T. GRCh37 (hg19) VCF-style: chr8-86027364-C-T.
Other names: c.295C>T, p.Pro99Ser (NM_001349636.2); c.148C>T, p.Pro50Ser (NM_001349637.2); c.33+2030C>T (NM_001349638.2); c.-14+2030C>T (NM_001349639.2); short protein forms P99S, P50S, P192S.
Identifiers: ClinVar variation 4711773 (VCV004711773.1).
Genomic context (GRCh38, chr8:85,115,129, plus strand): 5'-CAGTTTTCATTTTGAATGATTTGTTTCCAAGGGTACAGAGCAGTTATTCTCCAGACTTTG[C>T]CACAGCTTAGAATCCTAGATTGCAAGAACATATTTGGTGAACCAGTAAATTTGACAGAAA-3'
Protein context (NP_208325.3, residues 182-202): GYRAVILQTL[Pro192Ser]QLRILDCKNI

ClinVar aggregate classification (germline): Uncertain significance (1 of 4 stars; one submission).

gnomAD v4.1: 2 of 1,607,434 alleles (0.00012%); no homozygotes.

Submission:

Labcorp Genetics (formerly Invitae), Labcorp
Classification: Uncertain significance. Last evaluated: 2025-03-30. Review status: criteria provided, single submitter. Criteria: Invitae Variant Classification Sherloc (09022015). Collection method: clinical testing. Allele origin: germline.
Comment: This sequence change replaces proline, which is neutral and non-polar, with serine, which is neutral and polar, at codon 192 of the LRRCC1 protein (p.Pro192Ser). This variant is not present in population databases (gnomAD no frequency). This variant has not been reported in the literature in individuals affected with LRRCC1-related conditions. An algorithm developed to predict the effect of missense changes on protein structure and function (PolyPhen-2) suggests that this variant is likely to be disruptive. In summary, the available evidence is currently insufficient to determine the role of this variant in disease. Therefore, it has been classified as a Variant of Uncertain Significance.